The following is an entry in ClinVar:

NM_024685.4(BBS10):c.999T>A (p.Cys333Ter)

Gene: BBS10 (Bardet-Biedl syndrome 10; minus strand). Cytogenetic location: 12q21.2.
Variant type: single nucleotide variant.
Coding change: c.999T>A on transcript NM_024685.4 (MANE Select); coding-DNA position 999, T replaced by A.
Protein change: p.Cys333Ter; replaces cysteine 333 with a stop codon.
Molecular consequence: nonsense.
Genome position (GRCh38, 1-based): chr12:76,346,986, A>T on the plus strand (T>A on the coding strand, the complement: BBS10 is on the minus strand). VCF-style: chr12-76346986-A-T. GRCh37 (hg19) VCF-style: chr12-76740766-A-T.
Other names: c.999T>A, p.Cys333Ter (LRG_1255t1); short protein forms C333*.
Identifiers: ClinVar variation 576535 (VCV000576535.8), dbSNP rs1565809867, ClinGen allele CA385813216.
Genomic context (GRCh38, chr12:76,346,986, plus strand): 5'-TGGTACAAATGGAGAAAGACCAATGATCCTCCGGATAAGAGAAACTTCTTCTGATGATAA[A>T]CACTCAACCACTGATATGCCATTCACCCCTGCATAATAACTAACTAAATCTGGTTGTTTC-3'

ClinVar aggregate classification (germline): Pathogenic (1 of 4 stars; one submission).

Conditions:
Bardet-Biedl syndrome (BBS). Identifiers: Orphanet 110, MedGen C0752166, MONDO:0015229.

Submission:

Labcorp Genetics (formerly Invitae), Labcorp
Classification: Pathogenic for Bardet-Biedl syndrome. Last evaluated: 2018-04-12. Review status: criteria provided, single submitter. Criteria: Invitae Variant Classification Sherloc (09022015). Collection method: clinical testing. Allele origin: germline.
Comment: A different truncation (p.Val707*) that lies downstream of this variant has been determined to be pathogenic (PMID: 5982971, 22773737, 27486776, 20472660). This suggests that deletion of this region of the BBS10 protein is causative of disease. This sequence change results in a premature translational stop signal in the BBS10 gene (p.Cys333*). While this is not anticipated to result in nonsense mediated decay, it is expected to delete the last 391 amino acids of the BBS10 protein. This variant is not present in population databases (ExAC no frequency). This variant has not been reported in the literature in individuals with BBS10-related disease. For these reasons, this variant has been classified as Pathogenic.

Literature cited by the submitters: PubMed 5982971; PubMed 22773737; PubMed 27486776; PubMed 20472660.